The following is an entry in ClinVar:

ClinVar aggregate classification (germline): Uncertain significance (1 of 4 stars; one submission).

Conditions:
Lipodystrophy, partial, acquired, susceptibility to (APLD). Also called: APLD, SUSCEPTIBILITY TO. Identifiers: MedGen C3887501, MONDO:0100476, OMIM 608709.
Progressive myoclonic epilepsy type 9. Identifiers: Orphanet 457265, MedGen C4225289, MONDO:0014685, OMIM 616540.

gnomAD v4.1: 1 of 1,614,032 alleles (0.000062%); highest among the groups gnomAD compares: Admixed American, 0.0017%; no homozygotes.

Submission:

Labcorp Genetics (formerly Invitae), Labcorp
Classification: Uncertain significance for Progressive myoclonic epilepsy type 9; Lipodystrophy, partial, acquired, susceptibility to. Last evaluated: 2022-02-17. Review status: criteria provided, single submitter. Criteria: Invitae Variant Classification Sherloc (09022015). Collection method: clinical testing. Allele origin: germline.
Comment: This variant is present in population databases (no rsID available, gnomAD 0.003%). This sequence change replaces glycine, which is neutral and non-polar, with arginine, which is basic and polar, at codon 190 of the LMNB2 protein (p.Gly190Arg). This variant has not been reported in the literature in individuals affected with LMNB2-related conditions. In summary, the available evidence is currently insufficient to determine the role of this variant in disease. Therefore, it has been classified as a Variant of Uncertain Significance. Algorithms developed to predict the effect of missense changes on protein structure and function (SIFT, PolyPhen-2, Align-GVGD) all suggest that this variant is likely to be disruptive.

NM_032737.4(LMNB2):c.568G>C (p.Gly190Arg)

Gene: LMNB2 (lamin B2; minus strand). Cytogenetic location: 19p13.3.
Variant type: single nucleotide variant.
Coding change: c.568G>C on transcript NM_032737.4 (MANE Select); coding-DNA position 568, G replaced by C.
Protein change: p.Gly190Arg; replaces glycine 190 with arginine.
Molecular consequence: missense variant.
Genome position (GRCh38, 1-based): chr19:2,438,279, C>G on the plus strand (G>C on the coding strand, the complement: LMNB2 is on the minus strand). VCF-style: chr19-2438279-C-G. GRCh37 (hg19) VCF-style: chr19-2438277-C-G.
Other names: short protein forms G190R.
Identifiers: ClinVar variation 2163179 (VCV002163179.4), dbSNP rs377308554, ClinGen allele CA403257335.